The following is an entry in ClinVar:

ClinVar aggregate classification (germline): Benign/Likely benign. Review status: criteria provided, multiple submitters, no conflicts (2 of 4 stars). 10 submissions from 10 submitters: Benign (6); Likely benign (2). 2 of the submissions do not count toward it. Last evaluated 2026-01-31.

Conditions:
Spastic paraplegia. Identifiers: MedGen C0037772, HP:0001258.
Hereditary spastic paraplegia. Also called: Familial spastic paraparesis. Identifiers: Orphanet 685, MedGen C0037773, MONDO:0019064. Disease mechanism: loss of function.
Hereditary spastic paraplegia 15 (SPG15). Also called: KJELLIN SYNDROME; SPASTIC PARAPLEGIA AND RETINAL DEGENERATION; SPASTIC PARAPLEGIA 15, AUTOSOMAL RECESSIVE. Identifiers: Orphanet 100996, MedGen C1849128, MONDO:0010044, OMIM 270700.

Allele frequency attached by ClinVar (database versions not stated): 1000 Genomes Project 0.01358; gnomAD 0.01512 and 0.01610; 1000 Genomes Project 30x 0.01593; TOPMed 0.01721; ESP Exome Variant Server 0.01761.
gnomAD v4.1: 9,337 of 1,614,168 alleles (0.58%); highest among the groups gnomAD compares: African/African-American, 4.3%; 93 homozygotes.

Submissions (20):

Labcorp Genetics (formerly Invitae), Labcorp
Classification: Benign for Spastic paraplegia. Last evaluated: 2026-01-31. Review status: criteria provided, single submitter. Criteria: Invitae Variant Classification Sherloc (09022015). Collection method: clinical testing. Allele origin: germline.

Genome-Nilou Lab
Classification: Benign for Hereditary spastic paraplegia 15. Last evaluated: 2021-12-05. Review status: criteria provided, single submitter. Criteria: ACMG Guidelines, 2015. Collection method: clinical testing. Allele origin: germline. Affected: no.

Genome Diagnostics Laboratory, The Hospital for Sick Children
Classification: Likely benign for Hereditary spastic paraplegia. Last evaluated: 2021-09-01. Review status: criteria provided, single submitter. Criteria: ACMG Guidelines, 2015. Collection method: clinical testing. Allele origin: germline. Affected: yes.

Illumina Laboratory Services, Illumina
Classification: Benign for Hereditary spastic paraplegia 15. Last evaluated: 2018-01-12. Review status: criteria provided, single submitter. Criteria: ICSL Variant Classification Criteria 13 December 2019. Collection method: clinical testing. Allele origin: germline.
Comment: This variant was observed in the ICSL laboratory as part of a predisposition screen in an ostensibly healthy population. It had not been previously curated by ICSL or reported in the Human Gene Mutation Database (HGMD: prior to June 1st, 2018), and was therefore a candidate for classification through an automated scoring system. Utilizing variant allele frequency, disease prevalence and penetrance estimates, and inheritance mode, an automated score was calculated to assess if this variant is too frequent to cause the disease. Based on the score and internal cut-off values, a variant classified as benign is not then subjected to further curation. The score for this variant resulted in a classification of benign for this disease.

Athena Diagnostics
Classification: Benign. Last evaluated: 2017-10-18. Review status: criteria provided, single submitter. Criteria: Athena Diagnostics Criteria. Collection method: clinical testing. Allele origin: germline.

GeneDx
Classification: Benign. Last evaluated: 2017-10-11. Review status: criteria provided, single submitter. Criteria: GeneDx Variant Classification (06012015). Collection method: clinical testing. Allele origin: germline. Affected: yes.
Comment: This variant is considered likely benign or benign based on one or more of the following criteria: it is a conservative change, it occurs at a poorly conserved position in the protein, it is predicted to be benign by multiple in silico algorithms, and/or has population frequency not consistent with disease.

Mayo Clinic Laboratories, Mayo Clinic
Classification: Benign. Last evaluated: 2017-05-10. Review status: criteria provided, single submitter. Criteria: ACMG Guidelines, 2015. Collection method: clinical testing. Allele origin: germline. Observed: 25 variant alleles.

Breakthrough Genomics
Classification: Likely benign. Review status: criteria provided, single submitter. Criteria: ACMG Guidelines, 2015. Collection method: not provided. Allele origin: germline. Inheritance: Autosomal recessive inheritance. Affected: yes.

Dr. Peter K. Rogan Lab, Western University
No classification provided (evidence only). Condition: Clear cell carcinoma of kidney. Review status: no classification provided. Collection method: in vitro. Allele origin: not applicable. Functional consequence: skipped exon, retained intron. Not counted in ClinVar's aggregate classification.

Dr. Peter K. Rogan Lab, Western University
No classification provided (evidence only). Condition: Lung cancer. Review status: no classification provided. Collection method: in vitro. Allele origin: not applicable. Functional consequence: retained intron. Not counted in ClinVar's aggregate classification.

Dr. Peter K. Rogan Lab, Western University
No classification provided (evidence only). Condition: Acute myeloid leukemia. Review status: no classification provided. Collection method: in vitro. Allele origin: not applicable. Functional consequence: skipped exon, retained intron. Not counted in ClinVar's aggregate classification.

Dr. Peter K. Rogan Lab, Western University
No classification provided (evidence only). Condition: Colon adenocarcinoma. Review status: no classification provided. Collection method: in vitro. Allele origin: not applicable. Functional consequence: skipped exon, retained intron. Not counted in ClinVar's aggregate classification.

Dr. Peter K. Rogan Lab, Western University
No classification provided (evidence only). Condition: Uterine corpus endometrial carcinoma. Review status: no classification provided. Collection method: in vitro. Allele origin: not applicable. Functional consequence: retained intron. Not counted in ClinVar's aggregate classification.

Dr. Peter K. Rogan Lab, Western University
No classification provided (evidence only). Condition: Uterine corpus endometrial carcinoma. Review status: no classification provided. Collection method: in vitro. Allele origin: not applicable. Functional consequence: retained intron. Not counted in ClinVar's aggregate classification.

Dr. Peter K. Rogan Lab, Western University
No classification provided (evidence only). Condition: Uterine corpus endometrial carcinoma. Review status: no classification provided. Collection method: in vitro. Allele origin: not applicable. Functional consequence: skipped exon. Not counted in ClinVar's aggregate classification.

Dr. Peter K. Rogan Lab, Western University
No classification provided (evidence only). Condition: Cervical cancer. Review status: no classification provided. Collection method: in vitro. Allele origin: not applicable. Functional consequence: retained intron. Not counted in ClinVar's aggregate classification.

Dr. Peter K. Rogan Lab, Western University
No classification provided (evidence only). Condition: Nonpapillary renal cell carcinoma. Review status: no classification provided. Collection method: in vitro. Allele origin: not applicable. Functional consequence: skipped exon. Not counted in ClinVar's aggregate classification.

Dr. Peter K. Rogan Lab, Western University
No classification provided (evidence only). Condition: Malignant tumor of esophagus. Review status: no classification provided. Collection method: in vitro. Allele origin: not applicable. Functional consequence: skipped exon. Not counted in ClinVar's aggregate classification.

Joint Genome Diagnostic Labs from Nijmegen and Maastricht, Radboudumc and MUMC+
Classification: Benign. Review status: no assertion criteria provided. Collection method: clinical testing. Allele origin: germline. Affected: yes. Study: VKGL Data-share Consensus. Not counted in ClinVar's aggregate classification.

Laboratory of Diagnostic Genome Analysis, Leiden University Medical Center (LUMC)
Classification: Likely benign. Review status: no assertion criteria provided. Collection method: clinical testing. Allele origin: germline. Affected: yes. Study: VKGL Data-share Consensus. Not counted in ClinVar's aggregate classification.

NM_015346.4(ZFYVE26):c.6987-3C>T

Gene: ZFYVE26 (zinc finger FYVE-type containing 26; minus strand). Cytogenetic location: 14q24.1.
Variant type: single nucleotide variant.
Coding change: c.6987-3C>T on transcript NM_015346.4 (MANE Select); 3 bases into the intron before coding-DNA position 6987, C replaced by T.
Molecular consequence: intron variant.
Genome position (GRCh38, 1-based): chr14:67,754,215, G>A on the plus strand (C>T on the coding strand, the complement: ZFYVE26 is on the minus strand). VCF-style: chr14-67754215-G-A. GRCh37 (hg19) VCF-style: chr14-68220932-G-A.
Other names: p.?.
Identifiers: ClinVar variation 241058 (VCV000241058.26), dbSNP rs76728509, ClinGen allele CA7239083.